The following is an entry in ClinVar:

NM_015001.3(SPEN):c.10525_10528del (p.Trp3509fs)

Gene: SPEN (spen family transcriptional repressor; plus strand). Cytogenetic location: 1p36.13.
Variant type: Deletion.
Coding change: c.10525_10528del on transcript NM_015001.3 (MANE Select); coding-DNA positions 10525 to 10528, 4 bases deleted (TGGC; older notation c.10525_10528delTGGC).
Protein change: p.Trp3509fs; shifts the reading frame from tryptophan 3509.
Molecular consequence: frameshift variant.
Genome position (GRCh38, 1-based): chr1:15,937,827-15,937,830, TGGC deleted. VCF-style (leftmost placement, unchanged base first): chr1-15937826-GTGGC-G. GRCh37 (hg19) VCF-style: chr1-16264321-GTGGC-G.
Other names: short protein forms W3509fs.
Identifiers: ClinVar variation 3800617 (VCV003800617.1).

ClinVar aggregate classification (germline): Pathogenic (1 of 4 stars; one submission).

Conditions:
Inborn genetic diseases. Identifiers: MedGen C0950123, MeSH D030342.

Submission:

Ambry Genetics
Classification: Pathogenic for Inborn genetic diseases. Last evaluated: 2025-01-14. Review status: criteria provided, single submitter. Criteria: Ambry Variant Classification Scheme 2023. Collection method: clinical testing. Allele origin: germline.
Comment: The c.10525_10528delTGGC (p.W3509Rfs*38) alteration, located in exon 13 (coding exon 13) of the SPEN gene, consists of a deletion of 4 nucleotides from position 10525 to 10528, causing a translational frameshift with a predicted alternate stop codon after 38 amino acids. This alteration is expected to result in loss of function by premature protein truncation or nonsense-mediated mRNA decay. This variant was not reported in population-based cohorts in the Genome Aggregation Database (gnomAD). Based on the available evidence, this alteration is classified as pathogenic.